The following is an entry in ClinVar:

NM_194248.3(OTOF):c.3469C>T (p.Arg1157Trp)

Gene: OTOF (otoferlin; minus strand). Cytogenetic location: 2p23.3.
Variant type: single nucleotide variant.
Coding change: c.3469C>T on transcript NM_194248.3 (MANE Select); coding-DNA position 3469, C replaced by T.
Protein change: p.Arg1157Trp; replaces arginine 1157 with tryptophan.
Molecular consequence: missense variant.
Genome position (GRCh38, 1-based): chr2:26,473,507, G>A on the plus strand (C>T on the coding strand, the complement: OTOF is on the minus strand). VCF-style: chr2-26473507-G-A. GRCh37 (hg19) VCF-style: chr2-26696375-G-A.
Other names: c.3469C>T, p.Arg1157Trp (NM_001287489.2); c.1228C>T, p.Arg410Trp (NM_004802.4, NM_194323.3); c.1399C>T, p.Arg467Trp (NM_194322.3); short protein forms R1157W, R410W, R467W.
Identifiers: ClinVar variation 1957813 (VCV001957813.3), dbSNP rs749687326, ClinGen allele CA1563543.

ClinVar aggregate classification (germline): Uncertain significance (1 of 4 stars; one submission).

Allele frequency attached by ClinVar (database versions not stated): ExAC 0.00001; gnomAD 0.00001; gnomAD exomes 0.00001.
gnomAD v4.1: 17 of 1,612,686 alleles (0.0011%); highest among the groups gnomAD compares: East Asian, 0.0022%; no homozygotes.

Submission:

Labcorp Genetics (formerly Invitae), Labcorp
Classification: Uncertain significance. Last evaluated: 2023-11-27. Review status: criteria provided, single submitter. Criteria: Invitae Variant Classification Sherloc (09022015). Collection method: clinical testing. Allele origin: germline.
Comment: This sequence change replaces arginine, which is basic and polar, with tryptophan, which is neutral and slightly polar, at codon 1157 of the OTOF protein (p.Arg1157Trp). This variant is present in population databases (rs749687326, gnomAD 0.002%). This variant has not been reported in the literature in individuals affected with OTOF-related conditions. ClinVar contains an entry for this variant (Variation ID: 1957813). Advanced modeling of protein sequence and biophysical properties (such as structural, functional, and spatial information, amino acid conservation, physicochemical variation, residue mobility, and thermodynamic stability) performed at Invitae indicates that this missense variant is not expected to disrupt OTOF protein function with a negative predictive value of 95%. In summary, the available evidence is currently insufficient to determine the role of this variant in disease. Therefore, it has been classified as a Variant of Uncertain Significance.